The following is an entry in ClinVar:

NM_199420.4(POLQ):c.3750T>A (p.Ser1250Arg)

Gene: POLQ (DNA polymerase theta; minus strand). Cytogenetic location: 3q13.33.
Variant type: single nucleotide variant.
Coding change: c.3750T>A on transcript NM_199420.4 (MANE Select); coding-DNA position 3750, T replaced by A.
Protein change: p.Ser1250Arg; replaces serine 1250 with arginine.
Molecular consequence: missense variant.
Genome position (GRCh38, 1-based): chr3:121,489,181, A>T on the plus strand (T>A on the coding strand, the complement: POLQ is on the minus strand). VCF-style: chr3-121489181-A-T. GRCh37 (hg19) VCF-style: chr3-121208028-A-T.
Other names: short protein forms S1250R.
Identifiers: ClinVar variation 2625812 (VCV002625812.2), dbSNP rs2546786986, ClinGen allele CA354097533.

ClinVar aggregate classification (germline): Uncertain significance (1 of 4 stars; one submission).

Submission:

Ambry Genetics
Classification: Uncertain significance. Last evaluated: 2023-06-24. Review status: criteria provided, single submitter. Criteria: Ambry Variant Classification Scheme 2023. Collection method: clinical testing. Allele origin: germline.
Comment: The p.S1250R variant (also known as c.3750T>A), located in coding exon 16 of the POLQ gene, results from a T to A substitution at nucleotide position 3750. The serine at codon 1250 is replaced by arginine, an amino acid with dissimilar properties. This amino acid position is conserved. In addition, this alteration is predicted to be tolerated by in silico analysis. Since supporting evidence is limited at this time, the clinical significance of this alteration remains unclear.